The following is an entry in ClinVar:

NM_000815.5(GABRD):c.187C>G (p.Pro63Ala)

Gene: GABRD (gamma-aminobutyric acid type A receptor subunit delta; plus strand). Cytogenetic location: 1p36.33.
Variant type: single nucleotide variant.
Coding change: c.187C>G on transcript NM_000815.5 (MANE Select); coding-DNA position 187, C replaced by G.
Protein change: p.Pro63Ala; replaces proline 63 with alanine.
Molecular consequence: missense variant.
Genome position (GRCh38, 1-based): chr1:2,025,339, C>G. VCF-style: chr1-2025339-C-G. GRCh37 (hg19) VCF-style: chr1-1956778-C-G.
Other names: c.187C>G (NM_000815.4); short protein forms P63A.
Identifiers: ClinVar variation 2160901 (VCV002160901.5), dbSNP rs911958534, ClinGen allele CA16885213.

ClinVar aggregate classification (germline): Uncertain significance. Review status: criteria provided, multiple submitters, no conflicts (2 of 4 stars). 2 submissions from 2 submitters: Uncertain significance (2). Last evaluated 2024-09-30.

Conditions:
Idiopathic generalized epilepsy. Also called: Generalised epilepsy; EIG. Identifiers: MedGen C0270850, MONDO:0005579, OMIM 600669.
Inborn genetic diseases. Identifiers: MedGen C0950123, MeSH D030342.

Allele frequency attached by ClinVar (database versions not stated): gnomAD exomes 0.00005.
gnomAD v4.1: 77 of 1,613,106 alleles (0.0048%); highest among the groups gnomAD compares: Middle Eastern, 0.016%; no homozygotes.

Submissions (2):

Labcorp Genetics (formerly Invitae), Labcorp
Classification: Uncertain significance for Idiopathic generalized epilepsy. Last evaluated: 2024-09-30. Review status: criteria provided, single submitter. Criteria: Invitae Variant Classification Sherloc (09022015). Collection method: clinical testing. Allele origin: germline.
Comment: This sequence change replaces proline, which is neutral and non-polar, with alanine, which is neutral and non-polar, at codon 63 of the GABRD protein (p.Pro63Ala). This variant is present in population databases (no rsID available, gnomAD 0.002%). This variant has not been reported in the literature in individuals affected with GABRD-related conditions. ClinVar contains an entry for this variant (Variation ID: 2160901). An algorithm developed to predict the effect of missense changes on protein structure and function (PolyPhen-2) suggests that this variant is likely to be tolerated. In summary, the available evidence is currently insufficient to determine the role of this variant in disease. Therefore, it has been classified as a Variant of Uncertain Significance.

Ambry Genetics
Classification: Uncertain significance for Inborn genetic diseases. Last evaluated: 2024-03-15. Review status: criteria provided, single submitter. Criteria: Ambry Variant Classification Scheme 2023. Collection method: clinical testing. Allele origin: germline.